The following is an entry in ClinVar:

NM_001278512.2(AP3B2):c.1111-5G>A

Genes: AP3B2 (adaptor related protein complex 3 subunit beta 2; minus strand), CPEB1-AS1 (CPEB1 antisense RNA 1; plus strand). Cytogenetic location: 15q25.2.
Variant type: single nucleotide variant.
Coding change: c.1111-5G>A on transcript NM_001278512.2 (MANE Select); 5 bases into the intron before coding-DNA position 1111, G replaced by A.
Molecular consequence: intron variant.
Genome position (GRCh38, 1-based): chr15:82,679,805, C>T on the plus strand (G>A on the coding strand, the complement: AP3B2 is on the minus strand). VCF-style: chr15-82679805-C-T. GRCh37 (hg19) VCF-style: chr15-83348557-C-T.
Other names: c.1015-5G>A (NM_001278511.2); c.1111-5G>A (NM_004644.5, NM_004644.3).
Identifiers: ClinVar variation 736473 (VCV000736473.13), dbSNP rs374654361, ClinGen allele CA7700310.

ClinVar aggregate classification (germline): Conflicting classifications of pathogenicity. Review status: criteria provided, conflicting classifications (1 of 4 stars). 3 submissions from 3 submitters: Uncertain significance (1); Likely benign (1). 1 of the submissions does not count toward it. Last evaluated 2025-12-13.

Conditions:
AP3B2-related disorder. Also called: AP3B2-related condition.
Inborn genetic diseases. Identifiers: MedGen C0950123, MeSH D030342.

Allele frequency attached by ClinVar (database versions not stated): 1000 Genomes Project 30x 0.00016; ExAC 0.00017; gnomAD exomes 0.00020; TOPMed 0.00022; gnomAD 0.00027 and 0.00030; ESP Exome Variant Server 0.00049.
gnomAD v4.1: 594 of 1,613,766 alleles (0.037%); highest among the groups gnomAD compares: Non-Finnish European, 0.048%; 1 homozygote.

Submissions (3):

Labcorp Genetics (formerly Invitae), Labcorp
Classification: Likely benign. Last evaluated: 2025-12-13. Review status: criteria provided, single submitter. Criteria: Invitae Variant Classification Sherloc (09022015). Collection method: clinical testing. Allele origin: germline.

Ambry Genetics
Classification: Uncertain significance for Inborn genetic diseases. Last evaluated: 2021-09-02. Review status: criteria provided, single submitter. Criteria: Ambry Variant Classification Scheme 2023. Collection method: clinical testing. Allele origin: germline.
Comment: The c.1111-5G>A intronic alteration consists of a G to A substitution 5 nucleotides before exon 10 of the AP3B2 gene. Based on insufficient or conflicting evidence, the clinical significance of this alteration remains unclear.

PreventionGenetics, part of Exact Sciences
Classification: Likely benign for AP3B2-related condition. Last evaluated: 2020-02-13. Review status: no assertion criteria provided. Collection method: clinical testing. Allele origin: germline. Not counted in ClinVar's aggregate classification.
Comment: This variant is classified as likely benign based on ACMG/AMP sequence variant interpretation guidelines (Richards et al. 2015 PMID: 25741868, with internal and published modifications).